The following is an entry in ClinVar:

ClinVar aggregate classification (germline): Uncertain significance. Review status: criteria provided, multiple submitters, no conflicts (2 of 4 stars). 2 submissions from 2 submitters: Uncertain significance (2). Last evaluated 2023-04-15.

Conditions:
Long QT syndrome (LQTS). Identifiers: MedGen C0023976, MeSH D008133, MONDO:0002442. Disease mechanism: loss of function. Inheritance: Various modes of inheritance.
Long QT syndrome 12 (LQT12). Identifiers: Orphanet 101016, Orphanet 768, MedGen C2751830, MONDO:0013062, OMIM 612955.

Submissions (2):

Labcorp Genetics (formerly Invitae), Labcorp
Classification: Uncertain significance for Long QT syndrome. Last evaluated: 2023-04-15. Review status: criteria provided, single submitter. Criteria: Invitae Variant Classification Sherloc (09022015). Collection method: clinical testing. Allele origin: germline.
Comment: ClinVar contains an entry for this variant (Variation ID: 1029669). In summary, the available evidence is currently insufficient to determine the role of this variant in disease. Therefore, it has been classified as a Variant of Uncertain Significance. An algorithm developed to predict the effect of missense changes on protein structure and function (PolyPhen-2) suggests that this variant is likely to be tolerated. This variant has not been reported in the literature in individuals affected with SNTA1-related conditions. This variant is not present in population databases (gnomAD no frequency). This sequence change replaces alanine, which is neutral and non-polar, with glutamic acid, which is acidic and polar, at codon 62 of the SNTA1 protein (p.Ala62Glu).

Baylor Genetics
Classification: Uncertain significance for Long QT syndrome 12. Last evaluated: 2020-06-03. Review status: criteria provided, single submitter. Criteria: ACMG Guidelines, 2015. Collection method: clinical testing. Allele origin: unknown. Affected: yes.
Comment: This variant was determined to be of uncertain significance according to ACMG Guidelines, 2015 [PMID:25741868].

NM_003098.3(SNTA1):c.185C>A (p.Ala62Glu)

Gene: SNTA1 (syntrophin alpha 1; minus strand). Cytogenetic location: 20q11.21.
Variant type: single nucleotide variant.
Coding change: c.185C>A on transcript NM_003098.3 (MANE Select); coding-DNA position 185, C replaced by A.
Protein change: p.Ala62Glu; replaces alanine 62 with glutamic acid.
Molecular consequence: missense variant.
Genome position (GRCh38, 1-based): chr20:33,443,436, G>T on the plus strand (C>A on the coding strand, the complement: SNTA1 is on the minus strand). VCF-style: chr20-33443436-G-T. GRCh37 (hg19) VCF-style: chr20-32031242-G-T.
Other names: short protein forms A62E.
Identifiers: ClinVar variation 1029669 (VCV001029669.4), dbSNP rs1990630503, ClinGen allele CA408634250.
Genomic context (GRCh38, chr20:33,443,436, plus strand): 5'-AGTAGCGCCTCTGGCAGCTGCGGGGGCCCGGCGCCCGGCTCCGCGGCGCCGTTGAGCTGC[G>T]CGGGCTCCTGCTCCCGCGGAGCGCCGGGCTCGGGACCAGGGTCGCCGTCGGCGGGGCTCA-3'
Protein context (NP_003089.1, residues 52-72): EPGAPREQEP[Ala62Glu]QLNGAAEPGA